The following is an entry in ClinVar:

ClinVar aggregate classification (germline): Uncertain significance (1 of 4 stars; one submission).

Conditions:
Meckel-Gruber syndrome. Also called: DYSENCEPHALIA SPLANCHNOCYSTICA; GRUBER SYNDROME; Dysencephalia splachnocystica. Identifiers: Orphanet 564, MedGen C0265215, MONDO:0018921.
Joubert syndrome. Also called: CEREBELLOPARENCHYMAL DISORDER IV; JOUBERT-BOLTSHAUSER SYNDROME; Familial aplasia of the vermis. Identifiers: Orphanet 475, MedGen C5979921, MONDO:0018772.

Allele frequency attached by ClinVar (database versions not stated): gnomAD exomes below 0.00001; TOPMed 0.00002.
gnomAD v4.1: 1 of 1,613,980 alleles (0.000062%); highest among the groups gnomAD compares: African/African-American, 0.0013%; no homozygotes.

Submission:

Labcorp Genetics (formerly Invitae), Labcorp
Classification: Uncertain significance for Joubert syndrome; Meckel-Gruber syndrome. Last evaluated: 2022-04-28. Review status: criteria provided, single submitter. Criteria: Invitae Variant Classification Sherloc (09022015). Collection method: clinical testing. Allele origin: germline.
Comment: In summary, the available evidence is currently insufficient to determine the role of this variant in disease. Therefore, it has been classified as a Variant of Uncertain Significance. Algorithms developed to predict the effect of missense changes on protein structure and function are either unavailable or do not agree on the potential impact of this missense change (SIFT: "Deleterious"; PolyPhen-2: "Benign"; Align-GVGD: "Class C0"). This variant has not been reported in the literature in individuals affected with RPGRIP1L-related conditions. This variant is not present in population databases (gnomAD no frequency). This sequence change replaces glutamic acid, which is acidic and polar, with alanine, which is neutral and non-polar, at codon 29 of the RPGRIP1L protein (p.Glu29Ala).

NM_015272.5(RPGRIP1L):c.86A>C (p.Glu29Ala)

Gene: RPGRIP1L (RPGRIP1 like; minus strand). Cytogenetic location: 16q12.2.
Variant type: single nucleotide variant.
Coding change: c.86A>C on transcript NM_015272.5 (MANE Select); coding-DNA position 86, A replaced by C.
Protein change: p.Glu29Ala; replaces glutamic acid 29 with alanine.
Molecular consequence: missense variant.
Genome position (GRCh38, 1-based): chr16:53,696,295, T>G on the plus strand (A>C on the coding strand, the complement: RPGRIP1L is on the minus strand). VCF-style: chr16-53696295-T-G. GRCh37 (hg19) VCF-style: chr16-53730207-T-G.
Other names: c.86A>C, p.Glu29Ala (NM_001127897.4, NM_001308334.3, NM_001328422.2 and 2 more transcripts); short protein forms E29A.
Identifiers: ClinVar variation 1895595 (VCV001895595.5), dbSNP rs1246633231, ClinGen allele CA395926108.
Genomic context (GRCh38, chr16:53,696,295, plus strand): 5'-TCCTCACGACTGACACGTGACACTGCCTGGCGAGACTTCATTGTCCGTGTTGTTGAAGTT[T>G]CTGCAAAAATGCCAAGATAATTAATTGTGAGGTTACTTAAAATAGTCTCTAGAAACTCTT-3'
Protein context (NP_056087.2, residues 19-39): LNLFGMGGLQ[Glu29Ala]TSTTRTMKSR